The following is an entry in ClinVar:

ClinVar aggregate classification (germline): Benign/Likely benign. Review status: criteria provided, multiple submitters, no conflicts (2 of 4 stars). 3 submissions from 3 submitters: Benign (1); Likely benign (2). Last evaluated 2026-06-16.

Conditions:
Polyps, multiple and recurrent inflammatory fibroid, gastrointestinal. Identifiers: MedGen C5193005, MONDO:0008285, OMIM 175510.
Gastrointestinal stromal tumor. Also called: Gastrointestinal stroma tumor; Gastrointestinal stromal tumor, somatic. Identifiers: Orphanet 44890, MedGen C0238198, MeSH D046152, MONDO:0011719, OMIM 606764, HP:0100723.
Hereditary cancer-predisposing syndrome. Also called: Tumor predisposition; Hereditary neoplastic syndrome; Neoplastic Syndromes, Hereditary; Hereditary Cancer Syndrome. Identifiers: Orphanet 140162, MedGen C0027672, MeSH D009386, MONDO:0015356.

Allele frequency attached by ClinVar (database versions not stated): gnomAD 0.00001; gnomAD exomes 0.00001 and 0.00003; ExAC 0.00002.
gnomAD v4.1: 49 of 1,613,622 alleles (0.003%); highest among the groups gnomAD compares: Non-Finnish European, 0.0037%; no homozygotes.

Submissions (3):

Myriad Genetics, Inc.
Classification: Benign for Polyps, multiple and recurrent inflammatory fibroid, gastrointestinal. Last evaluated: 2026-06-16. Review status: criteria provided, single submitter. Criteria: Myriad Autosomal Dominant, Autosomal Recessive and X-Linked Classification Criteria (2023). Collection method: clinical testing. Allele origin: unknown.
Comment: This variant is considered benign. This variant is a silent/synonymous amino acid change and it is not expected to impact splicing.

Labcorp Genetics (formerly Invitae), Labcorp
Classification: Likely benign for Gastrointestinal stromal tumor. Last evaluated: 2026-01-26. Review status: criteria provided, single submitter. Criteria: Invitae Variant Classification Sherloc (09022015). Collection method: clinical testing. Allele origin: germline.

Ambry Genetics
Classification: Likely benign for Hereditary cancer-predisposing syndrome. Last evaluated: 2018-11-16. Review status: criteria provided, single submitter. Criteria: Ambry Variant Classification Scheme 2023. Collection method: clinical testing. Allele origin: germline.

NM_006206.6(PDGFRA):c.1023C>T (p.Ala341=)

Gene: PDGFRA (platelet derived growth factor receptor alpha; plus strand). Cytogenetic location: 4q12.
Variant type: single nucleotide variant.
Coding change: c.1023C>T on transcript NM_006206.6 (MANE Select); coding-DNA position 1023, C replaced by T.
Protein change: p.Ala341=; no amino-acid change (alanine 341 retained).
Molecular consequence: synonymous variant.
Genome position (GRCh38, 1-based): chr4:54,267,643, C>T. VCF-style: chr4-54267643-C-T. GRCh37 (hg19) VCF-style: chr4-55133810-C-T.
Other names: c.1023C>T, p.Ala341= (NM_001347827.2, NM_001347829.2); c.1098C>T, p.Ala366= (NM_001347828.2); c.1062C>T, p.Ala354= (NM_001347830.2).
Identifiers: ClinVar variation 458980 (VCV000458980.17), dbSNP rs759518864, ClinGen allele CA2922448.